The following is an entry in ClinVar:

ClinVar aggregate classification (germline): Uncertain significance (1 of 4 stars; one submission).

Allele frequency attached by ClinVar (database versions not stated): gnomAD exomes below 0.00001.
gnomAD v4.1: 2 of 1,610,792 alleles (0.00012%); highest among the groups gnomAD compares: East Asian, 0.0022%; no homozygotes.

Submission:

Labcorp Genetics (formerly Invitae), Labcorp
Classification: Uncertain significance. Last evaluated: 2022-07-14. Review status: criteria provided, single submitter. Criteria: Invitae Variant Classification Sherloc (09022015). Collection method: clinical testing. Allele origin: germline.
Comment: In summary, the available evidence is currently insufficient to determine the role of this variant in disease. Therefore, it has been classified as a Variant of Uncertain Significance. Experimental studies and prediction algorithms are not available or were not evaluated, and the functional significance of this variant is currently unknown. This variant has not been reported in the literature in individuals affected with COL18A1-related conditions. This variant is not present in population databases (gnomAD no frequency). This sequence change replaces proline, which is neutral and non-polar, with leucine, which is neutral and non-polar, at codon 492 of the COL18A1 protein (p.Pro492Leu).

NM_001379500.1(COL18A1):c.1475C>T (p.Pro492Leu)

Gene: COL18A1 (collagen type XVIII alpha 1 chain; plus strand). Cytogenetic location: 21q22.3.
Variant type: single nucleotide variant.
Coding change: c.1475C>T on transcript NM_001379500.1 (MANE Select); coding-DNA position 1475, C replaced by T.
Protein change: p.Pro492Leu; replaces proline 492 with leucine.
Molecular consequence: missense variant.
Genome position (GRCh38, 1-based): chr21:45,480,722, C>T. VCF-style: chr21-45480722-C-T. GRCh37 (hg19) VCF-style: chr21-46900636-C-T.
Other names: c.2015C>T, p.Pro672Leu (NM_030582.4); c.2720C>T, p.Pro907Leu (NM_130444.3); short protein forms P907L, P672L, P492L.
Identifiers: ClinVar variation 1899095 (VCV001899095.3), dbSNP rs2517627242, ClinGen allele CA410517419.
Genomic context (GRCh38, chr21:45,480,722, plus strand): 5'-CACATGGGCTGTGACTATCTGTGTTCGCCCACGTCCAGGGTCCTCGAGGCTTCCCTGGAC[C>T]TCCCGGACCCCCCGGTGTCCCAGGCCTGCCCGGCGAGCCAGGCCGCTTTGGGGTGAACAG-3'
Protein context (NP_001366429.1, residues 482-502): ALRGPRGFPG[Pro492Leu]PGPPGVPGLP